The following is an entry in ClinVar:

ClinVar aggregate classification (germline): Conflicting classifications of pathogenicity. Review status: criteria provided, conflicting classifications (1 of 4 stars). 4 submissions from 4 submitters: Uncertain significance (1); Likely benign (3). Last evaluated 2026-01-11.

Conditions:
PRX-related disorder. Also called: PRX-Related Disorders; PRX-related condition.
Inborn genetic diseases. Identifiers: MedGen C0950123, MeSH D030342.
Charcot-Marie-Tooth disease type 4. Also called: Charcot-Marie-Tooth disease, type IV; Charcot-Marie-Tooth, Type 4. Identifiers: Orphanet 64749, MedGen C4082197, MONDO:0018995.

Allele frequency attached by ClinVar (database versions not stated): gnomAD 0.00074 and 0.00077; TOPMed 0.00092; 1000 Genomes Project 0.00140; 1000 Genomes Project 30x 0.00141; gnomAD exomes 0.00007 and 0.00018; ExAC 0.00021; ESP Exome Variant Server 0.00069.
gnomAD v4.1: 221 of 1,614,164 alleles (0.014%); highest among the groups gnomAD compares: African/African-American, 0.25%; 2 homozygotes.

Submissions (4):

Labcorp Genetics (formerly Invitae), Labcorp
Classification: Likely benign for Charcot-Marie-Tooth disease type 4. Last evaluated: 2026-01-11. Review status: criteria provided, single submitter. Criteria: Invitae Variant Classification Sherloc (09022015). Collection method: clinical testing. Allele origin: germline.

PreventionGenetics, part of Exact Sciences
Classification: Likely benign for PRX-related condition. Last evaluated: 2025-07-15. Review status: criteria provided, single submitter. Criteria: ACMG Guidelines, 2015. Collection method: clinical testing. Allele origin: germline.
Comment: This variant is classified as likely benign based on ACMG/AMP sequence variant interpretation guidelines (Richards et al. 2015 PMID: 25741868, with internal and published modifications).

Ambry Genetics
Classification: Uncertain significance for Inborn genetic diseases. Last evaluated: 2024-11-24. Review status: criteria provided, single submitter. Criteria: Ambry Variant Classification Scheme 2023. Collection method: clinical testing. Allele origin: germline.

GeneDx
Classification: Likely benign. Last evaluated: 2019-07-19. Review status: criteria provided, single submitter. Criteria: GeneDx Variant Classification Process June 2021. Collection method: clinical testing. Allele origin: germline. Affected: yes.

NM_181882.3(PRX):c.2494G>C (p.Val832Leu)

Gene: PRX (periaxin; minus strand). Cytogenetic location: 19q13.2.
Variant type: single nucleotide variant.
Coding change: c.2494G>C on transcript NM_181882.3 (MANE Select); coding-DNA position 2494, G replaced by C.
Protein change: p.Val832Leu; replaces valine 832 with leucine.
Molecular consequence: missense variant. On other transcripts: 3 prime UTR variant (1).
Genome position (GRCh38, 1-based): chr19:40,395,858, C>G on the plus strand (G>C on the coding strand, the complement: PRX is on the minus strand). VCF-style: chr19-40395858-C-G. GRCh37 (hg19) VCF-style: chr19-40901765-C-G.
Other names: c.*2699G>C (NM_020956.2); short protein forms V832L.
Identifiers: ClinVar variation 380125 (VCV000380125.18), dbSNP rs116139153, ClinGen allele CA9444045.
Genomic context (GRCh38, chr19:40,395,858, plus strand): 5'-GAGAGGGGACACCCACATGAGCCTCACCATCCACCTCTGGCTGCAGACAGGGAAGTGTTA[C>G]CAGCTTCCCTGAGACCTCAGCACCCGCCTCGCCTGGCTTGCCACGTGATGGGGACTCTGC-3'
Protein context (NP_870998.2, residues 822-842): EAGAEVSGKL[Val832Leu]TLPCLQPEVD